The following is an entry in ClinVar:

NM_006660.5(CLPX):c.513+5A>G

Gene: CLPX (caseinolytic mitochondrial matrix peptidase chaperone subunit X; minus strand). Cytogenetic location: 15q22.31.
Variant type: single nucleotide variant.
Coding change: c.513+5A>G on transcript NM_006660.5 (MANE Select); 5 bases into the intron after coding-DNA position 513, A replaced by G.
Molecular consequence: intron variant.
Genome position (GRCh38, 1-based): chr15:65,166,626, T>C on the plus strand (A>G on the coding strand, the complement: CLPX is on the minus strand). VCF-style: chr15-65166626-T-C. GRCh37 (hg19) VCF-style: chr15-65458964-T-C.
Identifiers: ClinVar variation 3619933 (VCV003619933.2).

ClinVar aggregate classification (germline): Uncertain significance (1 of 4 stars; one submission).

gnomAD v4.1: 10 of 1,613,774 alleles (0.00062%); highest among the groups gnomAD compares: Non-Finnish European, 0.00042%; no homozygotes.

Submission:

Labcorp Genetics (formerly Invitae), Labcorp
Classification: Uncertain significance. Last evaluated: 2025-01-22. Review status: criteria provided, single submitter. Criteria: Invitae Variant Classification Sherloc (09022015). Collection method: clinical testing. Allele origin: germline.
Comment: This sequence change falls in intron 4 of the CLPX gene. It does not directly change the encoded amino acid sequence of the CLPX protein. It affects a nucleotide within the consensus splice site. This variant is present in population databases (rs753925757, gnomAD 0.02%). This variant has not been reported in the literature in individuals affected with CLPX-related conditions. Variants that disrupt the consensus splice site are a relatively common cause of aberrant splicing (PMID: 17576681, 9536098). Algorithms developed to predict the effect of sequence changes on RNA splicing suggest that this variant is not likely to affect RNA splicing. In summary, the available evidence is currently insufficient to determine the role of this variant in disease. Therefore, it has been classified as a Variant of Uncertain Significance.

Literature cited by the submitters: PubMed 17576681; PubMed 9536098.